The following is an entry in ClinVar:

ClinVar aggregate classification (germline): Uncertain significance. Review status: criteria provided, multiple submitters, no conflicts (2 of 4 stars). 2 submissions from 2 submitters: Uncertain significance (2). Last evaluated 2025-05-08.

Conditions:
Bardet-Biedl syndrome (BBS). Identifiers: Orphanet 110, MedGen C0752166, MONDO:0015229.
BBS5-related disorder. Also called: BBS5-related condition.

gnomAD v4.1: 3 of 1,580,262 alleles (0.00019%); highest among the groups gnomAD compares: Admixed American, 0.005%; no homozygotes.

Submissions (2):

PreventionGenetics, part of Exact Sciences
Classification: Uncertain significance for BBS5-related condition. Last evaluated: 2025-05-08. Review status: criteria provided, single submitter. Criteria: ACMG Guidelines, 2015. Collection method: clinical testing. Allele origin: germline.
Comment: The BBS5 c.623C>T variant is predicted to result in the amino acid substitution p.Ser208Leu. To our knowledge, this variant has not been reported in the literature or in a large population database (gnomAD), indicating this variant is rare. At this time, the clinical significance of this variant is uncertain due to the absence of conclusive functional and genetic evidence.

Labcorp Genetics (formerly Invitae), Labcorp
Classification: Uncertain significance for Bardet-Biedl syndrome. Last evaluated: 2024-10-25. Review status: criteria provided, single submitter. Criteria: Invitae Variant Classification Sherloc (09022015). Collection method: clinical testing. Allele origin: germline.
Comment: This sequence change replaces serine, which is neutral and polar, with leucine, which is neutral and non-polar, at codon 208 of the BBS5 protein (p.Ser208Leu). This variant is not present in population databases (gnomAD no frequency). This variant has not been reported in the literature in individuals affected with BBS5-related conditions. ClinVar contains an entry for this variant (Variation ID: 2061210). Invitae Evidence Modeling of protein sequence and biophysical properties (such as structural, functional, and spatial information, amino acid conservation, physicochemical variation, residue mobility, and thermodynamic stability) indicates that this missense variant is not expected to disrupt BBS5 protein function with a negative predictive value of 80%. Algorithms developed to predict the effect of sequence changes on RNA splicing suggest that this variant may disrupt the consensus splice site. In summary, the available evidence is currently insufficient to determine the role of this variant in disease. Therefore, it has been classified as a Variant of Uncertain Significance.

NM_152384.3(BBS5):c.623C>T (p.Ser208Leu)

Gene: BBS5 (Bardet-Biedl syndrome 5; plus strand). Cytogenetic location: 2q31.1.
Variant type: single nucleotide variant.
Coding change: c.623C>T on transcript NM_152384.3 (MANE Select); coding-DNA position 623, C replaced by T.
Protein change: p.Ser208Leu; replaces serine 208 with leucine.
Molecular consequence: missense variant.
Genome position (GRCh38, 1-based): chr2:169,497,631, C>T. VCF-style: chr2-169497631-C-T. GRCh37 (hg19) VCF-style: chr2-170354141-C-T.
Other names: c.623C>T (NM_152384.2); short protein forms S208L.
Identifiers: ClinVar variation 2061210 (VCV002061210.5), dbSNP rs1394284740, ClinGen allele CA349166317.